The following is an entry in ClinVar:

ClinVar aggregate classification (germline): Uncertain significance (1 of 4 stars; one submission).

Conditions:
Familial adenomatous polyposis 1 (FAP1). Also called: FAMILIAL ADENOMATOUS POLYPOSIS 1, ATTENUATED; POLYPOSIS, ADENOMATOUS INTESTINAL. Identifiers: MedGen C2713442, MONDO:0021056, OMIM 175100. Disease mechanism: loss of function.

Submission:

Labcorp Genetics (formerly Invitae), Labcorp
Classification: Uncertain significance for Familial adenomatous polyposis 1. Last evaluated: 2025-01-16. Review status: criteria provided, single submitter. Criteria: Invitae Variant Classification Sherloc (09022015). Collection method: clinical testing. Allele origin: germline.
Comment: This variant occurs in a non-coding region of the APC gene. It does not change the encoded amino acid sequence of the APC protein. This variant is not present in population databases (gnomAD no frequency). This variant has not been reported in the literature in individuals affected with APC-related conditions. Experimental studies and prediction algorithms are not available or were not evaluated, and the functional significance of this variant is currently unknown. In summary, the available evidence is currently insufficient to determine the role of this variant in disease. Therefore, it has been classified as a Variant of Uncertain Significance.

NM_001127511.3(APC):c.131C>G (p.Ala44Gly)

Gene: APC (APC regulator of Wnt signaling pathway; plus strand). Cytogenetic location: 5q22.2.
Variant type: single nucleotide variant.
Coding change: c.131C>G on transcript NM_001127511.3; coding-DNA position 131, C replaced by G.
Protein change: p.Ala44Gly; replaces alanine 44 with glycine.
Molecular consequence: missense variant. On other transcripts: 5 prime UTR variant (8), non-coding transcript variant (1), intron variant (5).
Genome position (GRCh38, 1-based): chr5:112,707,848, C>G. VCF-style: chr5-112707848-C-G. GRCh37 (hg19) VCF-style: chr5-112043545-C-G.
Other names: c.-53C>G (NM_001354895.2, NM_001407447.1, NM_001407452.1 and 3 more transcripts); c.131C>G, p.Ala44Gly (NM_001354897.2, NM_001354902.2, NM_001407446.1); c.-1088C>G (NM_001407470.1, NM_001407472.1); c.-19+199C>G (NM_001407448.1, NM_001407450.1, NM_001407457.1 and 1 more transcripts); c.-43+199C>G (NM_001407453.1); short protein forms A44G.
Identifiers: ClinVar variation 1008108 (VCV001008108.9), dbSNP rs1750614704, ClinGen allele CA360612083.